The following is an entry in ClinVar:

ClinVar aggregate classification (germline): Uncertain significance. Review status: criteria provided, multiple submitters, no conflicts (2 of 4 stars). 2 submissions from 2 submitters: Uncertain significance (2). Last evaluated 2025-10-08.

Conditions:
Arrhythmogenic right ventricular dysplasia 9 (ARVD9). Also called: ARRHYTHMOGENIC RIGHT VENTRICULAR DYSPLASIA, FAMILIAL, 9; Arrhythmogenic Right Ventricular Dysplasia/Cardiomyopathy 9. Identifiers: MedGen C1836906, MONDO:0012180, OMIM 609040.
Arrhythmogenic right ventricular cardiomyopathy (ARVD). Also called: Arrhythmogenic right ventricular dysplasia; Cardiomyopathy, ARVC; Arrhythmogenic cardiomyopathy; Arrhythmogenic Right Ventricular Cardiomyopathy (ARVC). Identifiers: Orphanet 247, MedGen C0349788, MeSH D019571, MONDO:0016587. Disease mechanism: loss of function. Inheritance: Various modes of inheritance.

gnomAD v4.1: 1 of 1,614,046 alleles (0.000062%); highest among the groups gnomAD compares: Non-Finnish European, 0.000085%; no homozygotes.

Submissions (2):

Labcorp Genetics (formerly Invitae), Labcorp
Classification: Uncertain significance for Arrhythmogenic right ventricular dysplasia 9. Last evaluated: 2025-10-08. Review status: criteria provided, single submitter. Criteria: Invitae Variant Classification Sherloc (09022015). Collection method: clinical testing. Allele origin: germline.
Comment: This sequence change replaces arginine, which is basic and polar, with glycine, which is neutral and non-polar, at codon 811 of the PKP2 protein (p.Arg811Gly). This variant is not present in population databases (gnomAD no frequency). This variant has not been reported in the literature in individuals affected with PKP2-related conditions. ClinVar contains an entry for this variant (Variation ID: 3387464). An algorithm developed to predict the effect of missense changes on protein structure and function (PolyPhen-2) suggests that this variant is likely to be disruptive. In summary, the available evidence is currently insufficient to determine the role of this variant in disease. Therefore, it has been classified as a Variant of Uncertain Significance.

All of Us Research Program, National Institutes of Health
Classification: Uncertain significance for Arrhythmogenic right ventricular cardiomyopathy. Last evaluated: 2024-06-11. Review status: criteria provided, single submitter. Criteria: ACMG Guidelines, 2015. Collection method: clinical testing. Allele origin: germline. Inheritance: Autosomal dominant inheritance. Observed: 1 variant allele, 1 heterozygote.
Comment: This study involves interpretation of variants in research participants for the purpose of population health screening. Participant phenotype was not available at the time of variant classification. Additional details can be found in publication PMID: 35346344, PMCID: PMC8962531

NM_001005242.3(PKP2):c.2299C>G (p.Arg767Gly)

Gene: PKP2 (plakophilin 2; minus strand). Cytogenetic location: 12p11.21.
Variant type: single nucleotide variant.
Coding change: c.2299C>G on transcript NM_001005242.3 (MANE Select); coding-DNA position 2299, C replaced by G.
Protein change: p.Arg767Gly; replaces arginine 767 with glycine.
Molecular consequence: missense variant. On other transcripts: intron variant (2).
Genome position (GRCh38, 1-based): chr12:32,796,167, G>C on the plus strand (C>G on the coding strand, the complement: PKP2 is on the minus strand). VCF-style: chr12-32796167-G-C. GRCh37 (hg19) VCF-style: chr12-32949101-G-C.
Other names: c.2134C>G, p.Arg712Gly (NM_001407156.1); c.1972C>G, p.Arg658Gly (NM_001407158.1, NM_001407159.1); c.2431C>G, p.Arg811Gly (NM_004572.4); c.2168-3436C>G (NM_001407155.1); c.1841-3436C>G (NM_001407160.1); short protein forms R658G, R712G, R767G, R811G.
Identifiers: ClinVar variation 3387464 (VCV003387464.2).